The following is an entry in ClinVar:

ClinVar aggregate classification (germline): Likely pathogenic (0 of 4 stars; one submission).

Conditions:
Congenital diarrhea 7 with exudative enteropathy. Also called: Diarrhea 7. Identifiers: Orphanet 329242, MedGen C4014516, MONDO:0014375, OMIM 615863.

Submission:

Medical College Of Wisconsin
Classification: Likely pathogenic for Congenital diarrhea 7 with exudative enteropathy. Last evaluated: 2019-08-13. Review status: no assertion criteria provided. Collection method: clinical testing. Allele origin: de novo. Inheritance: Autosomal recessive inheritance. Affected: yes. Observed: 1 compound heterozygote.
Comment: In silico modelling implicates functional change.

NM_012079.6(DGAT1):c.1310A>G (p.Gln437Arg)

Gene: DGAT1 (diacylglycerol O-acyltransferase 1; minus strand). Cytogenetic location: 8q24.3.
Variant type: single nucleotide variant.
Coding change: c.1310A>G on transcript NM_012079.6 (MANE Select); coding-DNA position 1310, A replaced by G.
Protein change: p.Gln437Arg; replaces glutamine 437 with arginine.
Molecular consequence: missense variant.
Genome position (GRCh38, 1-based): chr8:144,316,854, T>C on the plus strand (A>G on the coding strand, the complement: DGAT1 is on the minus strand). VCF-style: chr8-144316854-T-C. GRCh37 (hg19) VCF-style: chr8-145540517-T-C.
Other names: short protein forms Q437R.
Identifiers: ClinVar variation 684436 (VCV000684436.5), dbSNP rs1588680049, ClinGen allele CA372607900.